The following is an entry in ClinVar:

NM_003060.4(SLC22A5):c.529A>G (p.Met177Val)

Gene: SLC22A5 (solute carrier family 22 member 5; plus strand). Cytogenetic location: 5q31.1.
Variant type: single nucleotide variant.
Coding change: c.529A>G on transcript NM_003060.4 (MANE Select); coding-DNA position 529, A replaced by G.
Protein change: p.Met177Val; replaces methionine 177 with valine.
Molecular consequence: missense variant.
Genome position (GRCh38, 1-based): chr5:132,384,178, A>G. VCF-style: chr5-132384178-A-G. GRCh37 (hg19) VCF-style: chr5-131719870-A-G.
Other names: p.Met177Val; c.601A>G, p.Met201Val (NM_001308122.2); short protein forms M177V, M201V.
Identifiers: ClinVar variation 379230 (VCV000379230.28), dbSNP rs145068530, ClinGen allele CA3403918.
Genomic context (GRCh38, chr5:132,384,178, plus strand): 5'-GTTATCTGTCACTCTCCTTTTCTTCCCAGGTTTGGCCGGAAGAATGTGCTGTTCGTGACC[A>G]TGGGCATGCAGACAGGCTTCAGCTTCCTGCAGATCTTCTCGAAGAATTTTGAGATGTTTG-3'
Protein context (NP_003051.1, residues 167-187): FGRKNVLFVT[Met177Val]GMQTGFSFLQ

ClinVar aggregate classification (germline): Conflicting classifications of pathogenicity. Review status: criteria provided, conflicting classifications (1 of 4 stars). 11 submissions from 11 submitters: Pathogenic (1); Likely pathogenic (5); Uncertain significance (4). 1 of the submissions does not count toward it. Last evaluated 2026-06-08.

Conditions:
Renal carnitine transport defect (CDSP). Also called: CARNITINE DEFICIENCY, SYSTEMIC, DUE TO DEFECT IN RENAL REABSORPTION OF CARNITINE; CARNITINE TRANSPORTER, PLASMA-MEMBRANE, DEFICIENCY OF; CARNITINE UPTAKE DEFECT; Primary carnitine deficiency; Systemic primary carnitine deficiency; Carnitine transporter deficiency. Identifiers: Orphanet 158, MedGen C0342788, MONDO:0008919, OMIM 212140.

Allele frequency attached by ClinVar (database versions not stated): gnomAD exomes 0.00008; ExAC 0.00011; gnomAD 0.00027 and 0.00028; 1000 Genomes Project 30x 0.00031; TOPMed 0.00034; 1000 Genomes Project 0.00040; ESP Exome Variant Server 0.00054.

Submissions (11):

Myriad Genetics, Inc.
Classification: Uncertain significance for Renal carnitine transport defect. Last evaluated: 2026-06-08. Review status: criteria provided, single submitter. Criteria: Myriad Autosomal Dominant, Autosomal Recessive and X-Linked Classification Criteria (2023). Collection method: clinical testing. Allele origin: unknown.
Comment: NM_003060.3(SLC22A5):c.529A>G(M177V) is a missense variant classified as a variant of uncertain significance in the context of primary carnitine deficiency. M177V has been observed in a case with relevant disease (PMID: 41022664). Relevant functional assessments of this variant are available in the literature (PMID: 28841266, 36343260). M177V has been observed in referenced population frequency databases. In summary, there is insufficient evidence to classify NM_003060.3(SLC22A5):c.529A>G(M177V) as pathogenic or benign. Please note: this variant was assessed in the context of healthy population screening.

Labcorp Genetics (formerly Invitae), Labcorp
Classification: Uncertain significance for Renal carnitine transport defect. Last evaluated: 2026-01-27. Review status: criteria provided, single submitter. Criteria: Invitae Variant Classification Sherloc (09022015). Collection method: clinical testing. Allele origin: germline.
Comment: This sequence change replaces methionine, which is neutral and non-polar, with valine, which is neutral and non-polar, at codon 177 of the SLC22A5 protein (p.Met177Val). This variant is present in population databases (rs145068530, gnomAD 0.1%). This missense change has been observed in individual(s) with primary carnitine deficiency (PMID: 20574985, 28841266, 41022664). ClinVar contains an entry for this variant (Variation ID: 379230). Invitae Evidence Modeling of protein sequence and biophysical properties (such as structural, functional, and spatial information, amino acid conservation, physicochemical variation, residue mobility, and thermodynamic stability) has been performed for this missense variant. However, the output from this modeling did not meet the statistical confidence thresholds required to predict the impact of this variant on SLC22A5 protein function. Experimental studies have shown that this missense change affects SLC22A5 function (PMID: 28841266, 36343260). In summary, the available evidence is currently insufficient to determine the role of this variant in disease. Therefore, it has been classified as a Variant of Uncertain Significance.

GeneDx
Classification: Pathogenic. Last evaluated: 2025-07-15. Review status: criteria provided, single submitter. Criteria: GeneDx Variant Classification Process June 2021. Collection method: clinical testing. Allele origin: germline. Affected: yes.
Comment: Functional analysis found p.(M177V) is associated with significantly impaired carnitine transport compared to wild-type (PMID: 36343260, 28841266); In silico analysis supports that this missense variant has a deleterious effect on protein structure/function; This variant is associated with the following publications: (PMID: 26828774, 36343260, 20574985, 28841266, 38166572)

First Genomix Gene Laboratory, Genetic Diagnostics Department
Classification: Likely pathogenic for Renal carnitine transport defect. Last evaluated: 2025-05-05. Review status: criteria provided, single submitter. Criteria: ACMG Guidelines, 2015. Collection method: clinical testing. Allele origin: germline. Inheritance: Autosomal recessive inheritance. Affected: no. Observed: 1 variant allele.

Department of Genetics of Metabolic Diseases, Institute of Medical & Molecular Genetics, Hospital Universitario Hospital La Paz
Classification: Likely pathogenic for Renal carnitine transport defect. Last evaluated: 2024-09-01. Review status: criteria provided, single submitter. Criteria: ACMG Guidelines, 2015. Collection method: clinical testing. Allele origin: germline. Inheritance: Autosomal recessive inheritance. Affected: yes.
Comment: The variant NM_003060.3:c.529A>G p.(Met177Val) in SLC22A5 is present at low frequency in gnomAD (0.008130%). Functional studies in CHO cells confirm this variant reduces OCTN2´s activity (PMID: 28841266). This variant has been observed in individuals with abnormal levels of free carnitine consistent with primary carnitine deficiency (PMID: 20574985, Hidalgo Mayoral I et al., in press)

Fulgent Genetics
Classification: Likely pathogenic for Renal carnitine transport defect. Last evaluated: 2024-06-17. Review status: criteria provided, single submitter. Criteria: ACMG Guidelines, 2015. Collection method: clinical testing. Allele origin: germline.

Blueprint Genetics
Classification: Uncertain significance. Last evaluated: 2024-02-19. Review status: criteria provided, single submitter. Criteria: ACMG Guidelines, 2015. Collection method: clinical testing. Allele origin: germline.

Women's Health and Genetics/Laboratory Corporation of America, LabCorp
Classification: Uncertain significance. Last evaluated: 2022-11-17. Review status: criteria provided, single submitter. Criteria: LabCorp Variant Classification Summary - May 2015. Collection method: clinical testing. Allele origin: germline.
Comment: Variant summary: SLC22A5 c.529A>G (p.Met177Val) results in a conservative amino acid change located in the Major facilitator superfamily domain (IPR020846) of the encoded protein sequence. Four of five in-silico tools predict a benign effect of the variant on protein function. The variant allele was found at a frequency of 8.1e-05 in 282892 control chromosomes (gnomAD), predominantly at a frequency of 0.00088 within the African or African-American subpopulation in the gnomAD database. This frequency is not significantly higher than expected for a pathogenic variant in SLC22A5 causing Systemic Primary Carnitine Deficiency (0.00088 vs 0.0046), allowing no conclusion about variant significance. c.529A>G has been reported in the literature in at least one compound heterozygous individuals affected with Systemic Primary Carnitine Deficiency (Li_2010). These data do not allow any conclusion about variant significance. Functional evidence obtained using stably transfected CHO cells demonstrated the variant had ~14% of normal activity (Frigeni_2017). Five ClinVar submitters have assessed the variant since 2014: two classified the variant as uncertain significance and three as likely pathogenic. Based on the evidence outlined above, the variant was classified as VUS-possibly pathogenic.

Giacomini Lab, University of California, San Francisco
Classification: Likely pathogenic for Renal carnitine transport defect. Last evaluated: 2022-10-03. Review status: criteria provided, single submitter. Criteria: ACMG Guidelines, 2015. Collection method: research, in vitro. Allele origin: germline, not applicable.

Genome-Nilou Lab
Classification: Likely pathogenic for Renal carnitine transport defect. Last evaluated: 2021-07-15. Review status: criteria provided, single submitter. Criteria: ACMG Guidelines, 2015. Collection method: clinical testing. Allele origin: germline. Affected: no.

Counsyl
Classification: Uncertain significance for Renal carnitine transport defect. Last evaluated: 2018-11-19. Review status: no assertion criteria provided. Collection method: clinical testing. Allele origin: unknown. Not counted in ClinVar's aggregate classification.

Literature cited by the submitters: PubMed 28841266 (cited by 3 submitters); PubMed 36343260 (cited by Myriad Genetics, Inc. and Labcorp Genetics (formerly Invitae), Labcorp); PubMed 41022664 (cited by 3 submitters); PubMed 20574985 (cited by 3 submitters).